The following is an entry in ClinVar:

ClinVar aggregate classification (germline): Uncertain significance (1 of 4 stars; one submission).

Conditions:
Autosomal recessive severe congenital neutropenia due to CSF3R deficiency. Also called: Neutropenia, severe congenital, 7, autosomal recessive. Identifiers: Orphanet 420702, MedGen C4310764, MONDO:0014865, OMIM 617014.

Submission:

Labcorp Genetics (formerly Invitae), Labcorp
Classification: Uncertain significance for Autosomal recessive severe congenital neutropenia due to CSF3R deficiency. Last evaluated: 2021-12-02. Review status: criteria provided, single submitter. Criteria: Invitae Variant Classification Sherloc (09022015). Collection method: clinical testing. Allele origin: germline.
Comment: This variant is not present in population databases (gnomAD no frequency). This sequence change replaces glutamic acid, which is acidic and polar, with glutamine, which is neutral and polar, at codon 462 of the CSF3R protein (p.Glu462Gln). This variant has not been reported in the literature in individuals affected with CSF3R-related conditions. In summary, the available evidence is currently insufficient to determine the role of this variant in disease. Therefore, it has been classified as a Variant of Uncertain Significance. Algorithms developed to predict the effect of missense changes on protein structure and function are either unavailable or do not agree on the potential impact of this missense change (SIFT: "Tolerated"; PolyPhen-2: "Probably Damaging"; Align-GVGD: "Class C0").

NM_000760.4(CSF3R):c.1384G>C (p.Glu462Gln)

Gene: CSF3R (colony stimulating factor 3 receptor; minus strand). Cytogenetic location: 1p34.3.
Variant type: single nucleotide variant.
Coding change: c.1384G>C on transcript NM_000760.4 (MANE Select); coding-DNA position 1384, G replaced by C.
Protein change: p.Glu462Gln; replaces glutamic acid 462 with glutamine.
Molecular consequence: missense variant.
Genome position (GRCh38, 1-based): chr1:36,469,742, C>G on the plus strand (G>C on the coding strand, the complement: CSF3R is on the minus strand). VCF-style: chr1-36469742-C-G. GRCh37 (hg19) VCF-style: chr1-36935343-C-G.
Other names: c.1384G>C, p.Glu462Gln (NM_156039.3, NM_172313.3); short protein forms E462Q.
Identifiers: ClinVar variation 2024368 (VCV002024368.4), dbSNP rs2124110863, ClinGen allele CA339419924.